The following is an entry in ClinVar:

ClinVar aggregate classification (germline): Pathogenic (1 of 4 stars; one submission).

Submission:

Labcorp Genetics (formerly Invitae), Labcorp
Classification: Pathogenic. Last evaluated: 2022-10-26. Review status: criteria provided, single submitter. Criteria: Invitae Variant Classification Sherloc (09022015). Collection method: clinical testing. Allele origin: germline.
Comment: This sequence change creates a premature translational stop signal (p.Glu1698*) in the PCLO gene. It is expected to result in an absent or disrupted protein product. Loss-of-function variants in PCLO are known to be pathogenic (PMID: 25832664, 30287594). This variant is not present in population databases (gnomAD no frequency). This variant has not been reported in the literature in individuals affected with PCLO-related conditions. For these reasons, this variant has been classified as Pathogenic.

Literature cited by the submitters: PubMed 25832664; PubMed 30287594.

NM_033026.6(PCLO):c.5092G>T (p.Glu1698Ter)

Gene: PCLO (piccolo presynaptic cytomatrix protein; minus strand). Cytogenetic location: 7q21.11.
Variant type: single nucleotide variant.
Coding change: c.5092G>T on transcript NM_033026.6 (MANE Select); coding-DNA position 5092, G replaced by T.
Protein change: p.Glu1698Ter; replaces glutamic acid 1698 with a stop codon.
Molecular consequence: nonsense.
Genome position (GRCh38, 1-based): chr7:82,955,861, C>A on the plus strand (G>T on the coding strand, the complement: PCLO is on the minus strand). VCF-style: chr7-82955861-C-A. GRCh37 (hg19) VCF-style: chr7-82585177-C-A.
Other names: c.5092G>T, p.Glu1698Ter (NM_014510.3); short protein forms E1698*.
Identifiers: ClinVar variation 2036904 (VCV002036904.4), dbSNP rs2535708847, ClinGen allele CA367925123.